The following is an entry in ClinVar:

ClinVar aggregate classification (germline): Likely benign. Review status: criteria provided, multiple submitters, no conflicts (2 of 4 stars). 2 submissions from 2 submitters: Likely benign (2). Last evaluated 2026-01-28.

Conditions:
VPS13B-related disorder. Also called: VPS13B-related condition.
Cohen syndrome (COH1). Also called: Cutis verticis gyrata, retinitis pigmentosa, and sensorineural deafness; PEPPER SYNDROME. Identifiers: Orphanet 193, MedGen C0265223, MONDO:0008999, OMIM 216550.

Allele frequency attached by ClinVar (database versions not stated): gnomAD exomes below 0.00001; ExAC 0.00001; ESP Exome Variant Server 0.00008.

Submissions (2):

Labcorp Genetics (formerly Invitae), Labcorp
Classification: Likely benign for Cohen syndrome. Last evaluated: 2026-01-28. Review status: criteria provided, single submitter. Criteria: Invitae Variant Classification Sherloc (09022015). Collection method: clinical testing. Allele origin: germline.

PreventionGenetics, part of Exact Sciences
Classification: Likely benign for VPS13B-related condition. Last evaluated: 2025-10-16. Review status: criteria provided, single submitter. Criteria: ACMG Guidelines, 2015. Collection method: clinical testing. Allele origin: germline.
Comment: This variant is classified as likely benign based on ACMG/AMP sequence variant interpretation guidelines (Richards et al. 2015 PMID: 25741868, with internal and published modifications).

NM_152564.5(VPS13B):c.1281A>G (p.Glu427=)

Gene: VPS13B (vacuolar protein sorting 13 homolog B; plus strand). Cytogenetic location: 8q22.2.
Variant type: single nucleotide variant.
Coding change: c.1281A>G on transcript NM_152564.5 (MANE Select); coding-DNA position 1281, A replaced by G.
Protein change: p.Glu427=; no amino-acid change (glutamic acid 427 retained).
Molecular consequence: synonymous variant.
Genome position (GRCh38, 1-based): chr8:99,134,706, A>G. VCF-style: chr8-99134706-A-G. GRCh37 (hg19) VCF-style: chr8-100146934-A-G.
Other names: c.1281A>G (NM_152564.4); c.1281A>G, p.Glu427= (NM_015243.3, NM_017890.5).
Identifiers: ClinVar variation 1161937 (VCV001161937.10), dbSNP rs370660111, ClinGen allele CA4822588.